The following is an entry in ClinVar:

GRCh38/hg38 22q13.33(chr22:49757859-50740457)x1

Genes: KLHDC7B-DT (KLHDC7B divergent transcript; minus strand), LINC03232 (long independently transcribed non-coding RNA 3232; plus strand), LMF2 (lipase maturation factor 2; minus strand), ACR (acrosin; plus strand), ADM2 (adrenomedullin 2; plus strand) and 176 more. Cytogenetic location: 22q13.33.
Variant type: copy number loss.
Change: copy number 1 (one copy instead of two) of chr22:49,757,859-50,740,457 (982.6 kb, GRCh38 coordinates, 1-based), cytogenetic band 22q13.33.
Identifiers: ClinVar variation 2579283 (VCV002579283.1).

ClinVar aggregate classification (germline): Pathogenic (1 of 4 stars; one submission).

Conditions:
Phelan-McDermid syndrome. Also called: TELOMERIC 22q13 MONOSOMY SYNDROME; 22q13.3 deletion syndrome; Phelan-McDermid Syndrome-SHANK3 Related. Identifiers: Orphanet 48652, MedGen C1853490, MONDO:0011652, OMIM 606232.

Submission:

Broad Center for Mendelian Genomics, Broad Institute of MIT and Harvard
Classification: Pathogenic for Phelan-McDermid syndrome. Last evaluated: 2023-08-24. Review status: criteria provided, single submitter. Criteria: ACMG/ClinGen CNV Guidelines, 2019. Collection method: research. Allele origin: de novo. Inheritance: Autosomal dominant inheritance. Affected: yes.
Comment: These breakpoints have been estimated by exome sequencing only and therefore may not reflect the true breakpoints. The patient phenotype is nonspecific, but is consistent with cases described in the literature and/or published databases with overlapping variants. A deletion with similar genetic overlap has been reported (Variation ID: 150859) and has been interpreted as likely pathogenic by ISCA site 1. There is complete overlap with the SHANK3 gene which is known to be haploinsufficient and has been assessed by the ClinGen Dosage Sensitivity Working Group. In summary, the 22q13.33 deletion meets criteria to be classified as pathogenic. The ACMG/ClinGen evidence codes and points used in this curation are as follows: 1: 0 points, 2: 1.00 points, 3: 0.45 points, 4-5: 0.15 points; Total: 1.6 points; Riggs 2020 (PMID: 31690835)